The following is an entry in ClinVar:

ClinVar aggregate classification (germline): Uncertain significance (1 of 4 stars; one submission).

gnomAD v4.1: 18 of 1,607,124 alleles (0.0011%); highest among the groups gnomAD compares: East Asian, 0.011%; no homozygotes.

Submission:

Labcorp Genetics (formerly Invitae), Labcorp
Classification: Uncertain significance. Last evaluated: 2022-07-26. Review status: criteria provided, single submitter. Criteria: Invitae Variant Classification Sherloc (09022015). Collection method: clinical testing. Allele origin: germline.
Comment: This sequence change replaces proline, which is neutral and non-polar, with leucine, which is neutral and non-polar, at codon 294 of the SLC34A3 protein (p.Pro294Leu). This variant is present in population databases (rs775344679, gnomAD 0.01%). This variant has not been reported in the literature in individuals affected with SLC34A3-related conditions. Algorithms developed to predict the effect of missense changes on protein structure and function output the following: SIFT: "Tolerated"; PolyPhen-2: "Benign"; Align-GVGD: "Class C0". The leucine amino acid residue is found in multiple mammalian species, which suggests that this missense change does not adversely affect protein function. In summary, the available evidence is currently insufficient to determine the role of this variant in disease. Therefore, it has been classified as a Variant of Uncertain Significance.

NM_001177316.2(SLC34A3):c.881C>T (p.Pro294Leu)

Gene: SLC34A3 (solute carrier family 34 member 3; plus strand). Cytogenetic location: 9q34.3.
Variant type: single nucleotide variant.
Coding change: c.881C>T on transcript NM_001177316.2 (MANE Select); coding-DNA position 881, C replaced by T.
Protein change: p.Pro294Leu; replaces proline 294 with leucine.
Molecular consequence: missense variant.
Genome position (GRCh38, 1-based): chr9:137,233,897, C>T. VCF-style: chr9-137233897-C-T. GRCh37 (hg19) VCF-style: chr9-140128349-C-T.
Other names: c.881C>T, p.Pro294Leu (NM_001177317.2, NM_080877.3); short protein forms P294L.
Identifiers: ClinVar variation 2187103 (VCV002187103.2), dbSNP rs775344679, ClinGen allele CA5364646.